The following is an entry in ClinVar:

NM_000548.5(TSC2):c.2596G>T (p.Ala866Ser)

Gene: TSC2 (TSC complex subunit 2; plus strand). Cytogenetic location: 16p13.3.
Variant type: single nucleotide variant.
Coding change: c.2596G>T on transcript NM_000548.5 (MANE Select); coding-DNA position 2596, G replaced by T.
Protein change: p.Ala866Ser; replaces alanine 866 with serine.
Molecular consequence: missense variant.
Genome position (GRCh38, 1-based): chr16:2,075,849, G>T. VCF-style: chr16-2075849-G-T. GRCh37 (hg19) VCF-style: chr16-2125850-G-T.
Other names: c.2596G>T, p.Ala866Ser (NM_001077183.3, NM_001114382.3, NM_001363528.2 and 3 more transcripts); c.2485G>T, p.Ala829Ser (NM_001318827.2); c.2449G>T, p.Ala817Ser (NM_001318829.2); c.1996G>T, p.Ala666Ser (NM_001318831.2); c.2629G>T, p.Ala877Ser (NM_001318832.2); short protein forms A866S, A666S, A877S, A817S, A829S.
Identifiers: ClinVar variation 1405479 (VCV001405479.11), dbSNP rs1555508378, ClinGen allele CA319477.

ClinVar aggregate classification (germline): Uncertain significance. Review status: criteria provided, multiple submitters, no conflicts (2 of 4 stars). 4 submissions from 4 submitters: Uncertain significance (4). Last evaluated 2025-01-21.

Conditions:
Lymphangiomyomatosis (LAM). Also called: Lymphangioleiomyomatosis, somatic; Lymphangioleiomyomatosis. Identifiers: Orphanet 538, MedGen C0751674, MONDO:0011705, OMIM 606690.
Isolated focal cortical dysplasia type II (FCORD2). Also called: Focal cortical dysplasia type II; CORTICAL DYSPLASIA OF TAYLOR. Identifiers: Orphanet 268994, MedGen C1846385, MONDO:0011818, OMIM 607341, HP:0032051.
Tuberous sclerosis 2 (TSC2). Identifiers: Orphanet 805, MedGen C1860707, MONDO:0013199, OMIM 613254.
Hereditary cancer-predisposing syndrome. Also called: Neoplastic Syndromes, Hereditary; Hereditary neoplastic syndrome; Hereditary Cancer Syndrome; Tumor predisposition. Identifiers: Orphanet 140162, MedGen C0027672, MeSH D009386, MONDO:0015356.

Allele frequency attached by ClinVar (database versions not stated): TOPMed below 0.00001.

Submissions (4):

Labcorp Genetics (formerly Invitae), Labcorp
Classification: Uncertain significance for Tuberous sclerosis 2. Last evaluated: 2025-01-21. Review status: criteria provided, single submitter. Criteria: Invitae Variant Classification Sherloc (09022015). Collection method: clinical testing. Allele origin: germline.
Comment: This sequence change replaces alanine, which is neutral and non-polar, with serine, which is neutral and polar, at codon 866 of the TSC2 protein (p.Ala866Ser). This variant is not present in population databases (gnomAD no frequency). This variant has not been reported in the literature in individuals affected with TSC2-related conditions. ClinVar contains an entry for this variant (Variation ID: 1405479). Invitae Evidence Modeling of protein sequence and biophysical properties (such as structural, functional, and spatial information, amino acid conservation, physicochemical variation, residue mobility, and thermodynamic stability) indicates that this missense variant is not expected to disrupt TSC2 protein function with a negative predictive value of 95%. In summary, the available evidence is currently insufficient to determine the role of this variant in disease. Therefore, it has been classified as a Variant of Uncertain Significance.

Ambry Genetics
Classification: Uncertain significance for Hereditary cancer-predisposing syndrome. Last evaluated: 2024-12-30. Review status: criteria provided, single submitter. Criteria: Ambry Variant Classification Scheme 2023. Collection method: clinical testing. Allele origin: germline.
Comment: The p.A866S variant (also known as c.2596G>T), located in coding exon 22 of the TSC2 gene, results from a G to T substitution at nucleotide position 2596. The alanine at codon 866 is replaced by serine, an amino acid with similar properties. This amino acid position is not well conserved in available vertebrate species. In addition, the in silico prediction for this alteration is inconclusive. Based on the available evidence, the clinical significance of this variant remains unclear.

Baylor Genetics
Classification: Uncertain significance for Isolated focal cortical dysplasia type II. Last evaluated: 2023-10-11. Review status: criteria provided, single submitter. Criteria: ACMG Guidelines, 2015. Collection method: clinical testing. Allele origin: unknown.

Fulgent Genetics
Classification: Uncertain significance for Lymphangiomyomatosis; Isolated focal cortical dysplasia type II; Tuberous sclerosis 2. Last evaluated: 2022-03-09. Review status: criteria provided, single submitter. Criteria: ACMG Guidelines, 2015. Collection method: clinical testing. Allele origin: unknown.